The following is an entry in ClinVar:

ClinVar aggregate classification (germline): Uncertain significance (1 of 4 stars; one submission).

Submission:

Labcorp Genetics (formerly Invitae), Labcorp
Classification: Uncertain significance. Last evaluated: 2021-08-31. Review status: criteria provided, single submitter. Criteria: Invitae Variant Classification Sherloc (09022015). Collection method: clinical testing. Allele origin: germline.
Comment: This sequence change replaces glutamic acid with aspartic acid at codon 345 of the KARS protein (p.Glu345Asp). The glutamic acid residue is highly conserved and there is a small physicochemical difference between glutamic acid and aspartic acid. This variant is not present in population databases (ExAC no frequency). This variant has not been reported in the literature in individuals affected with KARS-related conditions. Algorithms developed to predict the effect of missense changes on protein structure and function (SIFT, PolyPhen-2, Align-GVGD) all suggest that this variant is likely to be disruptive. In summary, the available evidence is currently insufficient to determine the role of this variant in disease. Therefore, it has been classified as a Variant of Uncertain Significance.

NM_005548.3(KARS1):c.951A>C (p.Glu317Asp)

Gene: KARS1 (lysyl-tRNA synthetase 1; minus strand). Cytogenetic location: 16q23.1.
Variant type: single nucleotide variant.
Coding change: c.951A>C on transcript NM_005548.3 (MANE Select); coding-DNA position 951, A replaced by C.
Protein change: p.Glu317Asp; replaces glutamic acid 317 with aspartic acid.
Molecular consequence: missense variant.
Genome position (GRCh38, 1-based): chr16:75,631,820, T>G on the plus strand (A>C on the coding strand, the complement: KARS1 is on the minus strand). VCF-style: chr16-75631820-T-G. GRCh37 (hg19) VCF-style: chr16-75665718-T-G.
Other names: c.1035A>C, p.Glu345Asp (NM_001130089.2); c.483A>C, p.Glu161Asp (NM_001378148.1); short protein forms E161D, E317D, E345D.
Identifiers: ClinVar variation 1682427 (VCV001682427.6), dbSNP rs2151802280, ClinGen allele CA396812257.
Genomic context (GRCh38, chr16:75,631,820, plus strand): 5'-GGTGGTGAACTCAGGATTGTGCGTCAAATCAATCCCCTCATTCCGGAACTGGCGTCCAAT[T>G]TCATAAACCCGGTCGATGCCACCAACCACAAGCATCTAACAACAACACATGGCCACGGTC-3'
Protein context (NP_005539.1, residues 307-327): LVVGGIDRVY[Glu317Asp]IGRQFRNEGI